The following is an entry in ClinVar:

NM_001387430.1(SH2B1):c.795A>G (p.Pro265=)

Gene: SH2B1 (SH2B adaptor protein 1; plus strand). Cytogenetic location: 16p11.2.
Variant type: single nucleotide variant.
Coding change: c.795A>G on transcript NM_001387430.1 (MANE Select); coding-DNA position 795, A replaced by G.
Protein change: p.Pro265=; no amino-acid change (proline 265 retained).
Molecular consequence: synonymous variant. On other transcripts: intron variant (1).
Genome position (GRCh38, 1-based): chr16:28,866,889, A>G. VCF-style: chr16-28866889-A-G. GRCh37 (hg19) VCF-style: chr16-28878210-A-G.
Other names: c.795A>G, p.Pro265= (NM_001145795.2, NM_001145796.2, NM_001145797.2 and 4 more transcripts); c.-26-485A>G (NM_001308294.2).
Identifiers: ClinVar variation 3354167 (VCV003354167.1).

ClinVar aggregate classification (germline): Likely benign (0 of 4 stars; one submission).

Conditions:
SH2B1-related disorder. Also called: SH2B1-related condition.

Submission:

PreventionGenetics, part of Exact Sciences
Classification: Likely benign for SH2B1-related condition. Last evaluated: 2022-06-16. Review status: no assertion criteria provided. Collection method: clinical testing. Allele origin: germline.
Comment: This variant is classified as likely benign based on ACMG/AMP sequence variant interpretation guidelines (Richards et al. 2015 PMID: 25741868, with internal and published modifications).